The following is an entry in ClinVar:

ClinVar aggregate classification (germline): Uncertain significance. Review status: criteria provided, multiple submitters, no conflicts (2 of 4 stars). 2 submissions from 2 submitters: Uncertain significance (2). Last evaluated 2025-02-24.

gnomAD v4.1: 29 of 1,613,588 alleles (0.0018%); highest among the groups gnomAD compares: African/African-American, 0.012%; no homozygotes.

Submissions (2):

Labcorp Genetics (formerly Invitae), Labcorp
Classification: Uncertain significance. Last evaluated: 2025-02-24. Review status: criteria provided, single submitter. Criteria: Invitae Variant Classification Sherloc (09022015). Collection method: clinical testing. Allele origin: germline.
Comment: This sequence change replaces aspartic acid, which is acidic and polar, with asparagine, which is neutral and polar, at codon 417 of the AK7 protein (p.Asp417Asn). This variant is present in population databases (rs111905580, gnomAD 0.007%). This variant has not been reported in the literature in individuals affected with AK7-related conditions. ClinVar contains an entry for this variant (Variation ID: 2080485). Invitae Evidence Modeling of protein sequence and biophysical properties (such as structural, functional, and spatial information, amino acid conservation, physicochemical variation, residue mobility, and thermodynamic stability) indicates that this missense variant is not expected to disrupt AK7 protein function with a negative predictive value of 80%. In summary, the available evidence is currently insufficient to determine the role of this variant in disease. Therefore, it has been classified as a Variant of Uncertain Significance.

Ambry Genetics
Classification: Uncertain significance. Last evaluated: 2021-08-10. Review status: criteria provided, single submitter. Criteria: Ambry Variant Classification Scheme 2023. Collection method: clinical testing. Allele origin: germline.

NM_152327.5(AK7):c.1249G>A (p.Asp417Asn)

Gene: AK7 (adenylate kinase 7; plus strand). Cytogenetic location: 14q32.2.
Variant type: single nucleotide variant.
Coding change: c.1249G>A on transcript NM_152327.5 (MANE Select); coding-DNA position 1249, G replaced by A.
Protein change: p.Asp417Asn; replaces aspartic acid 417 with asparagine.
Molecular consequence: missense variant.
Genome position (GRCh38, 1-based): chr14:96,458,104, G>A. VCF-style: chr14-96458104-G-A. GRCh37 (hg19) VCF-style: chr14-96924441-G-A.
Other names: c.1249G>A, p.Asp417Asn (NM_001350888.2, NM_001350890.2, NM_001350892.2); c.1171G>A, p.Asp391Asn (NM_001350891.2); short protein forms D391N, D417N.
Identifiers: ClinVar variation 2080485 (VCV002080485.5), dbSNP rs111905580, ClinGen allele CA7337793.